The following is an entry in ClinVar:

NM_001904.4(CTNNB1):c.1405C>T (p.Arg469Cys)

Genes: CTNNB1 (catenin beta 1; plus strand), LOC126806659 (BRD4-independent group 4 enhancer GRCh37_chr3:41274918-41276117; plus strand). Cytogenetic location: 3p22.1.
Variant type: single nucleotide variant.
Coding change: c.1405C>T on transcript NM_001904.4 (MANE Select); coding-DNA position 1405, C replaced by T.
Protein change: p.Arg469Cys; replaces arginine 469 with cysteine.
Molecular consequence: missense variant.
Genome position (GRCh38, 1-based): chr3:41,233,748, C>T. VCF-style: chr3-41233748-C-T. GRCh37 (hg19) VCF-style: chr3-41275239-C-T.
Other names: c.1405C>T, p.Arg469Cys (NM_001098209.2, NM_001098210.2); c.1384C>T, p.Arg462Cys (NM_001330729.2); short protein forms R462C, R469C.
Identifiers: ClinVar variation 1328540 (VCV001328540.8), dbSNP rs2125640126, ClinGen allele CA352233403.
Genomic context (GRCh38, chr3:41,233,748, plus strand): 5'-CGTACTGTCCTTCGGGCTGGTGACAGGGAAGACATCACTGAGCCTGCCATCTGTGCTCTT[C>T]GTCATCTGACCAGCCGACACCAAGAAGCAGAGATGGCCCAGAATGCAGTTCGCCTTCACT-3'
Protein context (NP_001895.1, residues 459-479): DITEPAICAL[Arg469Cys]HLTSRHQEAE

ClinVar aggregate classification (germline): Conflicting classifications of pathogenicity. Review status: criteria provided, conflicting classifications (1 of 4 stars). 4 submissions from 4 submitters: Likely pathogenic (1); Uncertain significance (2). 1 of the submissions does not count toward it. Last evaluated 2024-11-15.

Conditions:
CTNNB1-related syndromic intellectual disability.
Severe intellectual disability-progressive spastic diplegia syndrome (NEDSDV). Also called: NEURODEVELOPMENTAL DISORDER WITH SPASTIC DIPLEGIA AND VISUAL DEFECTS; CTNNB1 Neurodevelopmental Disorder. Identifiers: Orphanet 404473, MedGen C3554449, MONDO:0014035, OMIM 615075.

Allele frequency attached by ClinVar (database versions not stated): gnomAD exomes below 0.00001.
gnomAD v4.1: 1 of 1,614,024 alleles (0.000062%); highest among the groups gnomAD compares: African/African-American, 0.0013%; no homozygotes.

Submissions (4):

GeneDx
Classification: Likely pathogenic. Last evaluated: 2024-11-15. Review status: criteria provided, single submitter. Criteria: GeneDx Variant Classification Process June 2021. Collection method: clinical testing. Allele origin: germline. Affected: yes.
Comment: Not observed at significant frequency in large population cohorts (gnomAD); In silico analysis supports that this missense variant has a deleterious effect on protein structure/function; Has not been previously published as pathogenic or benign to our knowledge

Illumina Laboratory Services, Illumina
Classification: Uncertain significance for CTNNB1-related syndromic intellectual disability. Last evaluated: 2021-05-21. Review status: criteria provided, single submitter. Criteria: ICSLVariantClassificationCriteria RUGD 01 April 2020. Collection method: clinical testing. Allele origin: unknown.
Comment: The CTNNB1 c.1405C>T (p.Arg469Cys) variant is a missense variant. A literature search was performed for the gene, cDNA change, and amino acid change. No publications were found based on this search. This variant is not found in version 2.1.1 or version 3.1.1 of the Genome Aggregation Database despite its location in a region of good sequencing coverage, which suggests the variant is rare. Wang et al. (2021) indicate that the Arg469 residue is important for binding to TCF4 and disruption of this protein-protein interaction could result in inactivation of Wnt signaling. Based on the available information and the application of the ACMG criteria, the p.Arg469Cys variant is classified as a variant of uncertain significance for CTNNB1-related syndromic intellectual disability.

Blueprint Genetics
Classification: Uncertain significance. Last evaluated: 2020-01-13. Review status: criteria provided, single submitter. Criteria: ACMG Guidelines, 2015. Collection method: clinical testing. Allele origin: germline.

Molecular Genetics Laboratory, BC Children's and BC Women's Hospitals
Classification: Uncertain significance for Severe intellectual disability-progressive spastic diplegia syndrome. Last evaluated: 2026-07-06. Review status: no assertion criteria provided. Criteria: ACMG Guidelines, 2015. Collection method: clinical testing. Allele origin: de novo. Affected: yes. Not counted in ClinVar's aggregate classification.

Literature cited by the submitters: PubMed 33475177 (cited by Illumina Laboratory Services, Illumina).